The following is an entry in ClinVar:

NM_152564.5(VPS13B):c.9262A>G (p.Asn3088Asp)

Gene: VPS13B (vacuolar protein sorting 13 homolog B; plus strand). Cytogenetic location: 8q22.2.
Variant type: single nucleotide variant.
Coding change: c.9262A>G on transcript NM_152564.5 (MANE Select); coding-DNA position 9262, A replaced by G.
Protein change: p.Asn3088Asp; replaces asparagine 3088 with aspartic acid.
Molecular consequence: missense variant.
Genome position (GRCh38, 1-based): chr8:99,823,910, A>G. VCF-style: chr8-99823910-A-G. GRCh37 (hg19) VCF-style: chr8-100836138-A-G.
Other names: c.9337A>G, p.Asn3113Asp (NM_017890.5); short protein forms N3088D, N3113D.
Identifiers: ClinVar variation 3345685 (VCV003345685.1).

ClinVar aggregate classification (germline): Uncertain significance (0 of 4 stars; one submission).

Conditions:
VPS13B-related disorder. Also called: VPS13B-related condition.

Submission:

PreventionGenetics, part of Exact Sciences
Classification: Uncertain significance for VPS13B-related condition. Last evaluated: 2024-08-15. Review status: no assertion criteria provided. Collection method: clinical testing. Allele origin: germline.
Comment: The VPS13B c.9262A>G variant is predicted to result in the amino acid substitution p.Asn3088Asp. To our knowledge, this variant has not been reported in the literature. This variant is reported in 0.00088% of alleles in individuals of European (Non-Finnish) descent in gnomAD. At this time, the clinical significance of this variant is uncertain due to the absence of conclusive functional and genetic evidence.